The following is an entry in ClinVar:

ClinVar aggregate classification (germline): Uncertain significance. Review status: criteria provided, multiple submitters, no conflicts (2 of 4 stars). 3 submissions from 3 submitters: Uncertain significance (3). Last evaluated 2023-05-17.

Conditions:
Long QT syndrome (LQTS). Identifiers: MedGen C0023976, MeSH D008133, MONDO:0002442. Disease mechanism: loss of function. Inheritance: Various modes of inheritance.

Allele frequency attached by ClinVar (database versions not stated): gnomAD exomes below 0.00001; TOPMed below 0.00001.
gnomAD v4.1: 5 of 1,613,670 alleles (0.00031%); highest among the groups gnomAD compares: Non-Finnish European, 0.00042%; no homozygotes.

Submissions (3):

GeneDx
Classification: Uncertain significance. Last evaluated: 2023-05-17. Review status: criteria provided, single submitter. Criteria: GeneDx Variant Classification Process June 2021. Collection method: clinical testing. Allele origin: germline. Affected: yes.
Comment: Not observed at significant frequency in large population cohorts (gnomAD); In silico analysis supports that this missense variant has a deleterious effect on protein structure/function; Has not been previously published as pathogenic or benign to our knowledge

Blueprint Genetics
Classification: Uncertain significance. Last evaluated: 2022-03-23. Review status: criteria provided, single submitter. Criteria: ACMG Guidelines, 2015. Collection method: clinical testing. Allele origin: germline.

Labcorp Genetics (formerly Invitae), Labcorp
Classification: Uncertain significance for Long QT syndrome. Last evaluated: 2021-03-23. Review status: criteria provided, single submitter. Criteria: Invitae Variant Classification Sherloc (09022015). Collection method: clinical testing. Allele origin: germline.
Comment: In summary, the available evidence is currently insufficient to determine the role of this variant in disease. Therefore, it has been classified as a Variant of Uncertain Significance. Algorithms developed to predict the effect of missense changes on protein structure and function are either unavailable or do not agree on the potential impact of this missense change (SIFT: "Deleterious"; PolyPhen-2: "Probably Damaging"; Align-GVGD: "Class C0"). This variant has not been reported in the literature in individuals with CACNA1C-related conditions. This variant is not present in population databases (ExAC no frequency). This sequence change replaces isoleucine with methionine at codon 1135 of the CACNA1C protein (p.Ile1135Met). The isoleucine residue is highly conserved and there is a small physicochemical difference between isoleucine and methionine.

NM_000719.7(CACNA1C):c.3405C>G (p.Ile1135Met)

Gene: CACNA1C (calcium voltage-gated channel subunit alpha1 C; plus strand). Cytogenetic location: 12p13.33.
Variant type: single nucleotide variant.
Coding change: c.3405C>G on transcript NM_000719.7 (MANE Select); coding-DNA position 3405, C replaced by G.
Protein change: p.Ile1135Met; replaces isoleucine 1135 with methionine.
Molecular consequence: missense variant.
Genome position (GRCh38, 1-based): chr12:2,608,559, C>G. VCF-style: chr12-2608559-C-G. GRCh37 (hg19) VCF-style: chr12-2717725-C-G.
Other names: c.3405C>G (NM_000719.6); c.3465C>G, p.Ile1155Met (NM_001129827.2, NM_001129832.2, NM_199460.4); c.3405C>G, p.Ile1135Met (NM_001129829.2, NM_001129830.3, NM_001129831.2 and 15 more transcripts); c.3396C>G, p.Ile1132Met (NM_001129844.2); short protein forms I1132M, I1135M, I1155M.
Identifiers: ClinVar variation 1005568 (VCV001005568.11), dbSNP rs1324768943, ClinGen allele CA383375310.